The following is an entry in ClinVar:

ClinVar aggregate classification (germline): Uncertain significance (1 of 4 stars; one submission).

Allele frequency attached by ClinVar (database versions not stated): gnomAD exomes below 0.00001; ExAC 0.00001; gnomAD 0.00001; TOPMed 0.00001.
gnomAD v4.1: 5 of 1,613,908 alleles (0.00031%); highest among the groups gnomAD compares: Non-Finnish European, 0.00042%; no homozygotes.

Submission:

Labcorp Genetics (formerly Invitae), Labcorp
Classification: Uncertain significance. Last evaluated: 2020-12-16. Review status: criteria provided, single submitter. Criteria: Invitae Variant Classification Sherloc (09022015). Collection method: clinical testing. Allele origin: germline.
Comment: This sequence change replaces proline with leucine at codon 1309 of the COL4A3 protein (p.Pro1309Leu). The proline residue is moderately conserved and there is a moderate physicochemical difference between proline and leucine. This variant is present in population databases (rs775393699, ExAC 0.001%). This variant has not been reported in the literature in individuals with COL4A3-related conditions. Advanced modeling of protein sequence and biophysical properties (such as structural, functional, and spatial information, amino acid conservation, physicochemical variation, residue mobility, and thermodynamic stability) performed at Invitae indicates that this missense variant is not expected to disrupt COL4A3 protein function. In summary, the available evidence is currently insufficient to determine the role of this variant in disease. Therefore, it has been classified as a Variant of Uncertain Significance.

NM_000091.5(COL4A3):c.3926C>T (p.Pro1309Leu)

Genes: COL4A3 (collagen type IV alpha 3 chain; plus strand), MFF-DT (MFF divergent transcript; minus strand). Cytogenetic location: 2q36.3.
Variant type: single nucleotide variant.
Coding change: c.3926C>T on transcript NM_000091.5 (MANE Select); coding-DNA position 3926, C replaced by T.
Protein change: p.Pro1309Leu; replaces proline 1309 with leucine.
Molecular consequence: missense variant.
Genome position (GRCh38, 1-based): chr2:227,303,081, C>T. VCF-style: chr2-227303081-C-T. GRCh37 (hg19) VCF-style: chr2-228167797-C-T.
Other names: short protein forms P1309L.
Identifiers: ClinVar variation 2418662 (VCV002418662.3), dbSNP rs775393699, ClinGen allele CA2147387.